The following is an entry in ClinVar:

ClinVar aggregate classification (germline): Conflicting classifications of pathogenicity. Review status: criteria provided, conflicting classifications (1 of 4 stars). 3 submissions from 3 submitters: Uncertain significance (1); Benign (1); Likely benign (1). Last evaluated 2025-06-09.

Conditions:
CHARGE syndrome (CHARGE). Also called: Hittner Hirsch Kreh syndrome; CHARGE ASSOCIATION--COLOBOMA, HEART ANOMALY, CHOANAL ATRESIA, RETARDATION, GENITAL AND EAR ANOMALIES; Coloboma, heart anomaly, choanal atresia, retardation, genital and ear anomalies; CHARGE association; Hall-Hittner syndrome. Identifiers: Orphanet 138, MedGen C0265354, MONDO:0008965.
Hypogonadotropic hypogonadism 5 with or without anosmia (KAL5). Also called: HYPOGONADOTROPIC HYPOGONADISM 5 WITH ANOSMIA; HYPOGONADOTROPHIC HYPOGONADISM 5 WITHOUT ANOSMIA; CHD7-Related GnRH Deficiency (Kallmann Syndrome 5). Identifiers: Orphanet 478, MedGen C3552553, MONDO:0012880, OMIM 612370. Disease mechanism: loss of function.

Allele frequency attached by ClinVar (database versions not stated): gnomAD exomes below 0.00001 and 0.00001; ExAC 0.00001; TOPMed 0.00001; gnomAD 0.00002.

Submissions (3):

Labcorp Genetics (formerly Invitae), Labcorp
Classification: Benign for CHARGE syndrome. Last evaluated: 2025-06-09. Review status: criteria provided, single submitter. Criteria: Invitae Variant Classification Sherloc (09022015). Collection method: clinical testing. Allele origin: germline.

Fulgent Genetics
Classification: Uncertain significance for CHD7-related CHARGE syndrome; Hypogonadotropic hypogonadism 5 with or without anosmia. Last evaluated: 2024-06-12. Review status: criteria provided, single submitter. Criteria: ACMG Guidelines, 2015. Collection method: clinical testing. Allele origin: germline.

GeneDx
Classification: Likely benign. Last evaluated: 2024-02-27. Review status: criteria provided, single submitter. Criteria: GeneDx Variant Classification Process June 2021. Collection method: clinical testing. Allele origin: germline. Affected: yes.
Comment: See Variant Classification Assertion Criteria.

NM_017780.4(CHD7):c.5467A>G (p.Met1823Val)

Gene: CHD7 (chromodomain helicase DNA binding protein 7; plus strand). Cytogenetic location: 8q12.2.
Variant type: single nucleotide variant.
Coding change: c.5467A>G on transcript NM_017780.4 (MANE Select); coding-DNA position 5467, A replaced by G.
Protein change: p.Met1823Val; replaces methionine 1823 with valine.
Molecular consequence: missense variant. On other transcripts: intron variant (1).
Genome position (GRCh38, 1-based): chr8:60,850,555, A>G. VCF-style: chr8-60850555-A-G. GRCh37 (hg19) VCF-style: chr8-61763114-A-G.
Other names: c.1717-11674A>G (NM_001316690.1); short protein forms M1823V.
Identifiers: ClinVar variation 1217154 (VCV001217154.10), dbSNP rs769931428, ClinGen allele CA4760377.